The following is an entry in ClinVar:

NM_000465.4(BARD1):c.1989C>A (p.Asn663Lys)

Gene: BARD1 (BRCA1 associated RING domain 1; minus strand). Cytogenetic location: 2q35.
Variant type: single nucleotide variant.
Coding change: c.1989C>A on transcript NM_000465.4 (MANE Select); coding-DNA position 1989, C replaced by A.
Protein change: p.Asn663Lys; replaces asparagine 663 with lysine.
Molecular consequence: missense variant. On other transcripts: non-coding transcript variant (3).
Genome position (GRCh38, 1-based): chr2:214,730,423, G>T on the plus strand (C>A on the coding strand, the complement: BARD1 is on the minus strand). VCF-style: chr2-214730423-G-T. GRCh37 (hg19) VCF-style: chr2-215595147-G-T.
Other names: c.1932C>A, p.Asn644Lys (NM_001282543.2); c.636C>A, p.Asn212Lys (NM_001282545.2); c.579C>A, p.Asn193Lys (NM_001282548.2); c.450C>A, p.Asn150Lys (NM_001282549.2); short protein forms N663K, N193K, N644K, N212K, N150K.
Identifiers: ClinVar variation 142852 (VCV000142852.18), dbSNP rs587782767, ClinGen allele CA169578.

ClinVar aggregate classification (germline): Uncertain significance. Review status: criteria provided, multiple submitters, no conflicts (2 of 4 stars). 3 submissions from 3 submitters: Uncertain significance (3). Last evaluated 2025-06-01.

Conditions:
Hereditary cancer-predisposing syndrome. Also called: Hereditary Cancer Syndrome; Neoplastic Syndromes, Hereditary; Hereditary neoplastic syndrome; Tumor predisposition. Identifiers: Orphanet 140162, MedGen C0027672, MeSH D009386, MONDO:0015356.
Familial cancer of breast. Also called: BREAST CANCER, FAMILIAL; Hereditary breast cancer; hereditary breast carcinoma. Identifiers: Orphanet 227535, MedGen C0346153, MONDO:0016419, OMIM 114480. Disease mechanism: loss of function.

Allele frequency attached by ClinVar (database versions not stated): TOPMed 0.00002.

Submissions (3):

Labcorp Genetics (formerly Invitae), Labcorp
Classification: Uncertain significance for Familial cancer of breast. Last evaluated: 2025-06-01. Review status: criteria provided, single submitter. Criteria: Invitae Variant Classification Sherloc (09022015). Collection method: clinical testing. Allele origin: germline.
Comment: This sequence change replaces asparagine, which is neutral and polar, with lysine, which is basic and polar, at codon 663 of the BARD1 protein (p.Asn663Lys). This variant is not present in population databases (gnomAD no frequency). This variant has not been reported in the literature in individuals affected with BARD1-related conditions. ClinVar contains an entry for this variant (Variation ID: 142852). An algorithm developed to predict the effect of missense changes on protein structure and function (PolyPhen-2) suggests that this variant is likely to be disruptive. In summary, the available evidence is currently insufficient to determine the role of this variant in disease. Therefore, it has been classified as a Variant of Uncertain Significance.

Color Diagnostics, LLC DBA Color Health
Classification: Uncertain significance for Hereditary cancer-predisposing syndrome. Last evaluated: 2023-12-05. Review status: criteria provided, single submitter. Criteria: ACMG Guidelines, 2015. Collection method: clinical testing. Allele origin: germline.
Comment: This missense variant replaces asparagine with lysine at codon 663 of the BARD1 protein. Computational prediction suggests that this variant may not impact protein structure and function (internally defined REVEL score threshold <= 0.5, PMID: 27666373). To our knowledge, functional studies have not been reported for this variant. This variant has not been reported in individuals affected with BARD1-related disorders in the literature. This variant has not been identified in the general population by the Genome Aggregation Database (gnomAD). The available evidence is insufficient to determine the role of this variant in disease conclusively. Therefore, this variant is classified as a Variant of Uncertain Significance.

Ambry Genetics
Classification: Uncertain significance for Hereditary cancer-predisposing syndrome. Last evaluated: 2023-01-30. Review status: criteria provided, single submitter. Criteria: Ambry Variant Classification Scheme 2023. Collection method: clinical testing. Allele origin: germline.
Comment: The p.N663K variant (also known as c.1989C>A), located in coding exon 10 of the BARD1 gene, results from a C to A substitution at nucleotide position 1989. The asparagine at codon 663 is replaced by lysine, an amino acid with similar properties. This amino acid position is highly conserved in available vertebrate species. In addition, this alteration is predicted to be tolerated by in silico analysis. Since supporting evidence is limited at this time, the clinical significance of this alteration remains unclear.